The following is an entry in ClinVar:

ClinVar aggregate classification (germline): Uncertain significance. Review status: criteria provided, multiple submitters, no conflicts (2 of 4 stars). 2 submissions from 2 submitters: Uncertain significance (2). Last evaluated 2026-03-30.

Conditions:
Inborn genetic diseases. Identifiers: MedGen C0950123, MeSH D030342.

Allele frequency attached by ClinVar (database versions not stated): gnomAD exomes below 0.00001; ExAC 0.00001.
gnomAD v4.1: 7 of 1,614,088 alleles (0.00043%); highest among the groups gnomAD compares: Admixed American, 0.0017%; no homozygotes.

Submissions (2):

GeneDx
Classification: Uncertain significance. Last evaluated: 2026-03-30. Review status: criteria provided, single submitter. Criteria: GeneDx Variant Classification Process June 2021. Collection method: clinical testing. Allele origin: germline.
Comment: In silico analysis supports that this missense variant has a deleterious effect on protein structure/function; Has not been previously published as pathogenic or benign to our knowledge

Ambry Genetics
Classification: Uncertain significance for Inborn genetic diseases. Last evaluated: 2023-12-18. Review status: criteria provided, single submitter. Criteria: Ambry Variant Classification Scheme 2023. Collection method: clinical testing. Allele origin: germline.

NM_001383.6(DPH1):c.457C>T (p.Arg153Trp)

Gene: DPH1 (diphthamide biosynthesis 1; plus strand). Cytogenetic location: 17p13.3.
Variant type: single nucleotide variant.
Coding change: c.457C>T on transcript NM_001383.6 (MANE Select); coding-DNA position 457, C replaced by T.
Protein change: p.Arg153Trp; replaces arginine 153 with tryptophan.
Molecular consequence: missense variant. On other transcripts: non-coding transcript variant (3).
Genome position (GRCh38, 1-based): chr17:2,036,585, C>T. VCF-style: chr17-2036585-C-T. GRCh37 (hg19) VCF-style: chr17-1939879-C-T.
Other names: c.472C>T, p.Arg158Trp (NM_001346574.1, NM_001346575.1); c.52C>T, p.Arg18Trp (NM_001346576.2); short protein forms R153W, R158W, R18W.
Identifiers: ClinVar variation 3085468 (VCV003085468.2), dbSNP rs773453810, ClinGen allele CA8277005.